The following is an entry in ClinVar:

NM_000302.4(PLOD1):c.395T>C (p.Ile132Thr)

Gene: PLOD1 (procollagen-lysine,2-oxoglutarate 5-dioxygenase 1; plus strand). Cytogenetic location: 1p36.22.
Variant type: single nucleotide variant.
Coding change: c.395T>C on transcript NM_000302.4 (MANE Select); coding-DNA position 395, T replaced by C.
Protein change: p.Ile132Thr; replaces isoleucine 132 with threonine.
Molecular consequence: missense variant.
Genome position (GRCh38, 1-based): chr1:11,950,449, T>C. VCF-style: chr1-11950449-T-C. GRCh37 (hg19) VCF-style: chr1-12010506-T-C.
Other names: c.536T>C, p.Ile179Thr (NM_001316320.2); short protein forms I179T, I132T.
Identifiers: ClinVar variation 1736516 (VCV001736516.2), dbSNP rs1645691511, ClinGen allele CA338427269.

ClinVar aggregate classification (germline): Uncertain significance (1 of 4 stars; one submission).

Conditions:
Familial thoracic aortic aneurysm and aortic dissection (TAAD). Also called: Thoracic aortic aneurysms and dissections. Identifiers: Orphanet 91387, MedGen C4707243, MONDO:0019625.

gnomAD v4.1: 2 of 1,614,166 alleles (0.00012%); highest among the groups gnomAD compares: East Asian, 0.0022%; no homozygotes.

Submission:

Ambry Genetics
Classification: Uncertain significance for Familial thoracic aortic aneurysm and aortic dissection. Last evaluated: 2021-06-22. Review status: criteria provided, single submitter. Criteria: Ambry Variant Classification Scheme 2023. Collection method: clinical testing. Allele origin: germline.
Comment: The p.I132T variant (also known as c.395T>C), located in coding exon 4 of the PLOD1 gene, results from a T to C substitution at nucleotide position 395. The isoleucine at codon 132 is replaced by threonine, an amino acid with similar properties. This amino acid position is conserved. In addition, the in silico prediction for this alteration is inconclusive. Since supporting evidence is limited at this time, the clinical significance of this alteration remains unclear.